The following is an entry in ClinVar:

NM_002180.3(IGHMBP2):c.2598_2599del (p.Lys868fs)

Gene: IGHMBP2 (immunoglobulin mu DNA binding protein 2; plus strand). Cytogenetic location: 11q13.3.
Variant type: Deletion.
Coding change: c.2598_2599del on transcript NM_002180.3 (MANE Select); coding-DNA positions 2598 to 2599, 2 bases deleted (GA; older notation c.2598_2599delGA).
Protein change: p.Lys868fs; shifts the reading frame from lysine 868.
Molecular consequence: frameshift variant.
Genome position (GRCh38, 1-based): chr11:68,937,078-68,937,079, GA deleted; deleting any 2 consecutive bases within chr11:68,937,077-68,937,079 gives the same sequence; the c. name uses the placement nearest the transcript's 3' end. VCF-style (leftmost placement, unchanged base first): chr11-68937076-AAG-A. GRCh37 (hg19) VCF-style: chr11-68704544-AAG-A.
Other names: short protein forms K868fs.
Identifiers: ClinVar variation 287978 (VCV000287978.15), dbSNP rs886043774, ClinGen allele CA10605931.

ClinVar aggregate classification (germline): Pathogenic. Review status: criteria provided, multiple submitters, no conflicts (2 of 4 stars). 3 submissions from 3 submitters: Pathogenic (2). 1 of the submissions does not count toward it. Last evaluated 2023-10-10.

Conditions:
Autosomal recessive distal spinal muscular atrophy 1. Also called: NEURONOPATHY, SEVERE INFANTILE AXONAL, WITH RESPIRATORY FAILURE; SEVERE INFANTILE AXONAL NEUROPATHY WITH RESPIRATORY FAILURE; SPINAL MUSCULAR ATROPHY, DIAPHRAGMATIC; NEURONOPATHY, DISTAL HEREDITARY MOTOR, HARDING TYPE VI; NEUROPATHY, DISTAL HEREDITARY MOTOR, AUTOSOMAL RECESSIVE 1; HMN VI. Identifiers: Orphanet 98920, MedGen C1858517, MONDO:0011436, OMIM 604320.
Charcot-Marie-Tooth disease axonal type 2S. Also called: CHARCOT-MARIE-TOOTH DISEASE, AXONAL, AUTOSOMAL RECESSIVE, TYPE 2S; CHARCOT-MARIE-TOOTH NEUROPATHY, TYPE 2S. Identifiers: Orphanet 443073, MedGen C4015349, MONDO:0014511, OMIM 616155.

Submissions (3):

Labcorp Genetics (formerly Invitae), Labcorp
Classification: Pathogenic for Autosomal recessive distal spinal muscular atrophy 1; Charcot-Marie-Tooth disease axonal type 2S. Last evaluated: 2023-10-10. Review status: criteria provided, single submitter. Criteria: Invitae Variant Classification Sherloc (09022015). Collection method: clinical testing. Allele origin: germline.
Comment: This sequence change creates a premature translational stop signal (p.Lys868Serfs*16) in the IGHMBP2 gene. It is expected to result in an absent or disrupted protein product. Loss-of-function variants in IGHMBP2 are known to be pathogenic (PMID: 14681881, 25439726, 25568292). This variant is not present in population databases (gnomAD no frequency). This premature translational stop signal has been observed in individuals with Charcot-Marie-Tooth disease (PMID: 28065684). This variant is also known as c.2597_2598delAG. ClinVar contains an entry for this variant (Variation ID: 287978). For these reasons, this variant has been classified as Pathogenic.

Eurofins Ntd Llc (ga)
Classification: Pathogenic. Last evaluated: 2016-06-23. Review status: criteria provided, single submitter. Criteria: EGL Classification Definitions 2015. Collection method: clinical testing. Allele origin: germline. Observed: 2 variant alleles, 2 heterozygotes.

Gene Discovery Core-Manton Center, Boston Children's Hospital
Classification: Pathogenic for Charcot-Marie-Tooth disease axonal type 2S. Last evaluated: 2020-02-14. Review status: no assertion criteria provided. Collection method: research. Allele origin: germline. Affected: yes. Not counted in ClinVar's aggregate classification.
Comment: This variant is interpreted as Pathogenic for Charcot-Marie-Tooth disease, CMT type 2 and restrictive lung disease; Autosomal Recessive. PVS1- Null variant in a gene where LOF is a known mechanism of disease, PM2- Absent from controls in gnomad, PP3- Multiple lines of computational evidence support a deleterious effect on the gene or gene product (conservation, GERP), PP5- Reputable source recently reports variant as pathogenic, but the evidence is not available to the laboratory to perform an independent evaluation (PMID: 28065684) and 2 previous non-conflicting ClinVar entries.

Literature cited by the submitters: PubMed 14681881 (cited by Labcorp Genetics (formerly Invitae), Labcorp); PubMed 25439726 (cited by Labcorp Genetics (formerly Invitae), Labcorp); PubMed 25568292 (cited by Labcorp Genetics (formerly Invitae), Labcorp); PubMed 28065684 (cited by Labcorp Genetics (formerly Invitae), Labcorp).